The following is an entry in ClinVar:

ClinVar aggregate classification (germline): Conflicting classifications of pathogenicity. Review status: criteria provided, conflicting classifications (1 of 4 stars). 5 submissions from 4 submitters: Uncertain significance (2); Likely benign (3). Last evaluated 2025-08-18.

Conditions:
Autosomal recessive ataxia, Beauce type. Also called: SYNE1-Related Autosomal Recessive Cerebellar Ataxia; Spinocerebellar ataxia, autosomal recessive 8; ATAXIA, RECESSIVE, OF BEAUCE; SYNE1 Deficiency. Identifiers: Orphanet 88644, MedGen C1853116, MONDO:0012549, OMIM 610743.
Emery-Dreifuss muscular dystrophy 4, autosomal dominant (EDMD4). Also called: EMERY-DREIFUSS MUSCULAR DYSTROPHY 4 WITH VARIABLE FEATURES. Identifiers: Orphanet 261, MedGen C2751807, MONDO:0013071, OMIM 612998.

Allele frequency attached by ClinVar (database versions not stated): gnomAD 0.00001 and 0.00002; TOPMed 0.00002; ExAC 0.00003; gnomAD exomes 0.00005; 1000 Genomes Project 30x 0.00016; 1000 Genomes Project 0.00020.
gnomAD v4.1: 60 of 1,613,876 alleles (0.0037%); highest among the groups gnomAD compares: Middle Eastern, 0.033%; no homozygotes.

Submissions (5):

Labcorp Genetics (formerly Invitae), Labcorp
Classification: Likely benign for Emery-Dreifuss muscular dystrophy 4, autosomal dominant; Autosomal recessive ataxia, Beauce type. Last evaluated: 2025-08-18. Review status: criteria provided, single submitter. Criteria: Invitae Variant Classification Sherloc (09022015). Collection method: clinical testing. Allele origin: germline.

Blueprint Genetics
Classification: Likely benign. Last evaluated: 2024-01-10. Review status: criteria provided, single submitter. Criteria: ACMG Guidelines, 2015. Collection method: clinical testing. Allele origin: germline.

Athena Diagnostics
Classification: Uncertain significance. Last evaluated: 2021-05-28. Review status: criteria provided, single submitter. Criteria: Athena Diagnostics Criteria. Collection method: clinical testing. Allele origin: unknown.

Illumina Laboratory Services, Illumina
Classification: Uncertain significance for Autosomal recessive ataxia, Beauce type. Last evaluated: 2018-01-12. Review status: criteria provided, single submitter. Criteria: ICSL Variant Classification Criteria 13 December 2019. Collection method: clinical testing. Allele origin: germline.

Illumina Laboratory Services, Illumina
Classification: Likely benign for Emery-Dreifuss muscular dystrophy 4, autosomal dominant. Last evaluated: 2018-01-12. Review status: criteria provided, single submitter. Criteria: ICSL Variant Classification Criteria 13 December 2019. Collection method: clinical testing. Allele origin: germline.
Comment: This variant was observed in the ICSL laboratory as part of a predisposition screen in an ostensibly healthy population. It had not been previously curated by ICSL or reported in the Human Gene Mutation Database (HGMD: prior to June 1st, 2018), and was therefore a candidate for classification through an automated scoring system. Utilizing variant allele frequency, disease prevalence and penetrance estimates, and inheritance mode, an automated score was calculated to assess if this variant is too frequent to cause the disease. Based on the score and internal cut-off values, a variant classified as likely benign is not then subjected to further curation. The score for this variant resulted in a classification of likely benign for this disease.

NM_182961.4(SYNE1):c.16237-10A>T

Gene: SYNE1 (spectrin repeat containing nuclear envelope protein 1; minus strand). Cytogenetic location: 6q25.2.
Variant type: single nucleotide variant.
Coding change: c.16237-10A>T on transcript NM_182961.4 (MANE Select); 10 bases into the intron before coding-DNA position 16237, A replaced by T.
Molecular consequence: intron variant.
Genome position (GRCh38, 1-based): chr6:152,319,025, T>A on the plus strand (A>T on the coding strand, the complement: SYNE1 is on the minus strand). VCF-style: chr6-152319025-T-A. GRCh37 (hg19) VCF-style: chr6-152640160-T-A.
Other names: c.16024-10A>T (NM_033071.5); c.16237-10A>T (NM_182961.2).
Identifiers: ClinVar variation 355858 (VCV000355858.15), dbSNP rs201078255, ClinGen allele CA4055565.
Genomic context (GRCh38, chr6:152,319,025, plus strand): 5'-TTCCTGGCTCGTGGCCTTGCTCTGCTCAACTTCTTTTATTTTGTCTTGGATCTAAAAAAA[T>A]CAGTAAGAACAGCAAAACAAGCCATGGTTAAAAGTGAATAATAGATACTAAAAATCTCAA-3'